The following is an entry in ClinVar:

NM_001330.5(CTF1):c.536G>A (p.Gly179Asp)

Genes: CTF1 (cardiotrophin 1; plus strand), LOC130058878 (ATAC-STARR-seq lymphoblastoid silent region 7400; plus strand). Cytogenetic location: 16p11.2.
Variant type: single nucleotide variant.
Coding change: c.536G>A on transcript NM_001330.5 (MANE Select); coding-DNA position 536, G replaced by A.
Protein change: p.Gly179Asp; replaces glycine 179 with aspartic acid.
Molecular consequence: missense variant. On other transcripts: non-coding transcript variant (1).
Genome position (GRCh38, 1-based): chr16:30,902,469, G>A. VCF-style: chr16-30902469-G-A. GRCh37 (hg19) VCF-style: chr16-30913790-G-A.
Other names: c.533G>A, p.Gly178Asp (NM_001142544.3); short protein forms G178D, G179D.
Identifiers: ClinVar variation 1522822 (VCV001522822.6), dbSNP rs1375739909, ClinGen allele CA395619630.

ClinVar aggregate classification (germline): Uncertain significance (1 of 4 stars; one submission).

Submission:

Labcorp Genetics (formerly Invitae), Labcorp
Classification: Uncertain significance. Last evaluated: 2021-10-05. Review status: criteria provided, single submitter. Criteria: Invitae Variant Classification Sherloc (09022015). Collection method: clinical testing. Allele origin: germline.
Comment: This sequence change replaces glycine with aspartic acid at codon 179 of the CTF1 protein (p.Gly179Asp). The glycine residue is highly conserved and there is a moderate physicochemical difference between glycine and aspartic acid. The frequency data for this variant in the population databases is considered unreliable, as metrics indicate insufficient coverage at this position in the ExAC database. This variant has not been reported in the literature in individuals affected with CTF1-related conditions. Algorithms developed to predict the effect of missense changes on protein structure and function are either unavailable or do not agree on the potential impact of this missense change (SIFT: "Deleterious"; PolyPhen-2: "Probably Damaging"; Align-GVGD: "Class C0"). In summary, the available evidence is currently insufficient to determine the role of this variant in disease. Therefore, it has been classified as a Variant of Uncertain Significance.